The following is an entry in ClinVar:

NM_002334.4(LRP4):c.3255C>T (p.Ala1085=)

Gene: LRP4 (LDL receptor related protein 4; minus strand). Cytogenetic location: 11p11.2.
Variant type: single nucleotide variant.
Coding change: c.3255C>T on transcript NM_002334.4 (MANE Select); coding-DNA position 3255, C replaced by T.
Protein change: p.Ala1085=; no amino-acid change (alanine 1085 retained).
Molecular consequence: synonymous variant.
Genome position (GRCh38, 1-based): chr11:46,877,221, G>A on the plus strand (C>T on the coding strand, the complement: LRP4 is on the minus strand). VCF-style: chr11-46877221-G-A. GRCh37 (hg19) VCF-style: chr11-46898772-G-A.
Identifiers: ClinVar variation 720056 (VCV000720056.5), dbSNP rs748988357, ClinGen allele CA5969663.

ClinVar aggregate classification (germline): Likely benign. Review status: criteria provided, single submitter (1 of 4 stars). 2 submissions from 2 submitters: Likely benign (1). 1 of the submissions does not count toward it. Last evaluated 2017-09-06.

Conditions:
LRP4-related disorder. Also called: LRP4-related condition.

Allele frequency attached by ClinVar (database versions not stated): gnomAD 0.00001 and 0.00002; ExAC 0.00001; gnomAD exomes 0.00001; TOPMed 0.00003.
gnomAD v4.1: 25 of 1,613,774 alleles (0.0015%); highest among the groups gnomAD compares: South Asian, 0.0022%; no homozygotes.

Submissions (2):

Labcorp Genetics (formerly Invitae), Labcorp
Classification: Likely benign. Last evaluated: 2017-09-06. Review status: criteria provided, single submitter. Criteria: Invitae Variant Classification Sherloc (09022015). Collection method: clinical testing. Allele origin: germline.

PreventionGenetics, part of Exact Sciences
Classification: Likely benign for LRP4-related condition. Last evaluated: 2019-06-24. Review status: no assertion criteria provided. Collection method: clinical testing. Allele origin: germline. Not counted in ClinVar's aggregate classification.
Comment: This variant is classified as likely benign based on ACMG/AMP sequence variant interpretation guidelines (Richards et al. 2015 PMID: 25741868, with internal and published modifications).